The following is an entry in ClinVar:

ClinVar aggregate classification (germline): Uncertain significance (1 of 4 stars; one submission).

Allele frequency attached by ClinVar (database versions not stated): gnomAD 0.00001; gnomAD exomes below 0.00001.
gnomAD v4.1: 3 of 1,614,032 alleles (0.00019%); highest among the groups gnomAD compares: Non-Finnish European, 0.00025%; no homozygotes.

Submission:

Labcorp Genetics (formerly Invitae), Labcorp
Classification: Uncertain significance. Last evaluated: 2025-05-23. Review status: criteria provided, single submitter. Criteria: Invitae Variant Classification Sherloc (09022015). Collection method: clinical testing. Allele origin: germline.
Comment: This sequence change replaces aspartic acid, which is acidic and polar, with tyrosine, which is neutral and polar, at codon 65 of the CLDN16 protein (p.Asp65Tyr). This variant is present in population databases (no rsID available, gnomAD 0.007%). This variant has not been reported in the literature in individuals affected with CLDN16-related conditions. ClinVar contains an entry for this variant (Variation ID: 2975931). Invitae Evidence Modeling of protein sequence and biophysical properties (such as structural, functional, and spatial information, amino acid conservation, physicochemical variation, residue mobility, and thermodynamic stability) indicates that this missense variant is not expected to disrupt CLDN16 protein function with a negative predictive value of 95%. In summary, the available evidence is currently insufficient to determine the role of this variant in disease. Therefore, it has been classified as a Variant of Uncertain Significance.

NM_006580.4(CLDN16):c.-18G>T

Gene: CLDN16 (claudin 16; plus strand). Cytogenetic location: 3q28.
Variant type: single nucleotide variant.
Coding change: c.-18G>T on transcript NM_006580.4 (MANE Select); 18 bases upstream of the start codon, G replaced by T.
Molecular consequence: 5 prime UTR variant.
Genome position (GRCh38, 1-based): chr3:190,388,312, G>T. VCF-style: chr3-190388312-G-T. GRCh37 (hg19) VCF-style: chr3-190106101-G-T.
Other names: c.-18G>T (NM_001378492.1, NM_001378493.1).
Identifiers: ClinVar variation 2975931 (VCV002975931.3), dbSNP rs1210662953, ClinGen allele CA355762500.